The following is an entry in ClinVar:

NM_173628.4(DNAH17):c.216C>T (p.Leu72=)

Gene: DNAH17 (dynein axonemal heavy chain 17; minus strand). Cytogenetic location: 17q25.3.
Variant type: single nucleotide variant.
Coding change: c.216C>T on transcript NM_173628.4 (MANE Select); coding-DNA position 216, C replaced by T.
Protein change: p.Leu72=; no amino-acid change (leucine 72 retained).
Molecular consequence: synonymous variant.
Genome position (GRCh38, 1-based): chr17:78,574,842, G>A on the plus strand (C>T on the coding strand, the complement: DNAH17 is on the minus strand). VCF-style: chr17-78574842-G-A. GRCh37 (hg19) VCF-style: chr17-76570924-G-A.
Identifiers: ClinVar variation 1252854 (VCV001252854.5), dbSNP rs61745225, ClinGen allele CA8805746.

ClinVar aggregate classification (germline): Benign. Review status: criteria provided, multiple submitters, no conflicts (2 of 4 stars). 3 submissions from 3 submitters: Benign (2). 1 of the submissions does not count toward it. Last evaluated 2021-05-04.

Conditions:
DNAH17-related disorder. Also called: DNAH17-related condition.

Allele frequency attached by ClinVar (database versions not stated): gnomAD exomes 0.00666 and 0.01643; ExAC 0.01926; gnomAD 0.06205 and 0.06638; ESP Exome Variant Server 0.06421; TOPMed 0.07141; 1000 Genomes Project 0.07149; 1000 Genomes Project 30x 0.07511.
gnomAD v4.1: 19,775 of 1,613,970 alleles (1.2%); highest among the groups gnomAD compares: African/African-American, 21%; 1,841 homozygotes.

Submissions (3):

GeneDx
Classification: Benign. Last evaluated: 2021-05-04. Review status: criteria provided, single submitter. Criteria: GeneDx Variant Classification Process June 2021. Collection method: clinical testing. Allele origin: germline. Affected: yes.

Breakthrough Genomics
Classification: Benign. Review status: criteria provided, single submitter. Criteria: ACMG Guidelines, 2015. Collection method: not provided. Allele origin: germline. Inheritance: Autosomal recessive inheritance. Affected: yes.

PreventionGenetics, part of Exact Sciences
Classification: Benign for DNAH17-related condition. Last evaluated: 2019-12-24. Review status: no assertion criteria provided. Collection method: clinical testing. Allele origin: germline. Not counted in ClinVar's aggregate classification.
Comment: This variant is classified as benign based on ACMG/AMP sequence variant interpretation guidelines (Richards et al. 2015 PMID: 25741868, with internal and published modifications).